The following is an entry in ClinVar:

ClinVar aggregate classification (germline): Uncertain significance (1 of 4 stars; one submission).

gnomAD v4.1: 8 of 1,613,884 alleles (0.0005%); highest among the groups gnomAD compares: Admixed American, 0.0033%; no homozygotes.

Submission:

Labcorp Genetics (formerly Invitae), Labcorp
Classification: Uncertain significance. Last evaluated: 2024-01-02. Review status: criteria provided, single submitter. Criteria: Invitae Variant Classification Sherloc (09022015). Collection method: clinical testing. Allele origin: germline.
Comment: This sequence change replaces arginine, which is basic and polar, with glutamine, which is neutral and polar, at codon 3226 of the USH2A protein (p.Arg3226Gln). This variant is present in population databases (no rsID available, gnomAD 0.003%). This variant has not been reported in the literature in individuals affected with USH2A-related conditions. Advanced modeling of protein sequence and biophysical properties (such as structural, functional, and spatial information, amino acid conservation, physicochemical variation, residue mobility, and thermodynamic stability) performed at Invitae indicates that this missense variant is not expected to disrupt USH2A protein function with a negative predictive value of 95%. In summary, the available evidence is currently insufficient to determine the role of this variant in disease. Therefore, it has been classified as a Variant of Uncertain Significance.

NM_206933.4(USH2A):c.9677G>A (p.Arg3226Gln)

Gene: USH2A (usherin; minus strand). Cytogenetic location: 1q41.
Variant type: single nucleotide variant.
Coding change: c.9677G>A on transcript NM_206933.4 (MANE Select); coding-DNA position 9677, G replaced by A.
Protein change: p.Arg3226Gln; replaces arginine 3226 with glutamine.
Molecular consequence: missense variant.
Genome position (GRCh38, 1-based): chr1:215,813,798, C>T on the plus strand (G>A on the coding strand, the complement: USH2A is on the minus strand). VCF-style: chr1-215813798-C-T. GRCh37 (hg19) VCF-style: chr1-215987140-C-T.
Other names: short protein forms R3226Q.
Identifiers: ClinVar variation 2979849 (VCV002979849.3), dbSNP rs1338539009, ClinGen allele CA344821756.